The following is an entry in ClinVar:

NM_012330.4(KAT6B):c.3431T>C (p.Val1144Ala)

Gene: KAT6B (lysine acetyltransferase 6B; plus strand). Cytogenetic location: 10q22.2.
Variant type: single nucleotide variant.
Coding change: c.3431T>C on transcript NM_012330.4 (MANE Select); coding-DNA position 3431, T replaced by C.
Protein change: p.Val1144Ala; replaces valine 1144 with alanine.
Molecular consequence: missense variant.
Genome position (GRCh38, 1-based): chr10:75,025,016, T>C. VCF-style: chr10-75025016-T-C. GRCh37 (hg19) VCF-style: chr10-76784774-T-C.
Other names: c.2882T>C, p.Val961Ala (NM_001256468.2, NM_001370138.1); c.2555T>C, p.Val852Ala (NM_001256469.2, NM_001370139.1, NM_001370140.1 and 2 more transcripts); c.2393T>C, p.Val798Ala (NM_001370132.1); c.1742T>C, p.Val581Ala (NM_001370133.1); c.1346T>C, p.Val449Ala (NM_001370134.1); c.1088T>C, p.Val363Ala (NM_001370135.1); c.3431T>C, p.Val1144Ala (NM_001370136.1, NM_001370137.1); c.2366T>C, p.Val789Ala (NM_001370143.1, NM_001370144.1); short protein forms V1144A, V363A, V449A, V581A, V789A, V798A, V852A, V961A.
Identifiers: ClinVar variation 4690041 (VCV004690041.1).

ClinVar aggregate classification (germline): Uncertain significance (1 of 4 stars; one submission).

Submission:

GeneDx
Classification: Uncertain significance. Last evaluated: 2025-07-28. Review status: criteria provided, single submitter. Criteria: GeneDx Variant Classification Process June 2021. Collection method: clinical testing. Allele origin: germline. Affected: yes.
Comment: Not observed at significant frequency in large population cohorts (gnomAD); In silico analysis supports that this missense variant has a deleterious effect on protein structure/function; Has not been previously published as pathogenic or benign to our knowledge